The following is an entry in ClinVar:

NM_002693.3(POLG):c.3402T>G (p.His1134Gln)

Gene: POLG (DNA polymerase gamma, catalytic subunit; minus strand). Cytogenetic location: 15q26.1.
Variant type: single nucleotide variant.
Coding change: c.3402T>G on transcript NM_002693.3 (MANE Select); coding-DNA position 3402, T replaced by G.
Protein change: p.His1134Gln; replaces histidine 1134 with glutamine.
Molecular consequence: missense variant.
Genome position (GRCh38, 1-based): chr15:89,318,621, A>C on the plus strand (T>G on the coding strand, the complement: POLG is on the minus strand). VCF-style: chr15-89318621-A-C. GRCh37 (hg19) VCF-style: chr15-89861852-A-C.
Other names: c.3402T>G, p.His1134Gln (NM_001126131.2); short protein forms H1134Q.
Identifiers: ClinVar variation 2829003 (VCV002829003.3), dbSNP rs749765817, ClinGen allele CA393749802.
Genomic context (GRCh38, chr15:89,318,621, plus strand): 5'-CTGCAAGGCCAGGGCAGCGCGGTAGCGGTCCTCCTCCCGCACCAGGTAGCGAACCTCGTC[A>C]TGGATGCTGATGCAGAAGCGCCCATCTATGGCAAACTCTTCAAACAGCCACTTCATGGCC-3'
Protein context (NP_002684.1, residues 1124-1144): AIDGRFCISI[His1134Gln]DEVRYLVREE

ClinVar aggregate classification (germline): Likely pathogenic (1 of 4 stars; one submission).

Conditions:
Progressive sclerosing poliodystrophy (MTDPS4A). Also called: ALPERS PROGRESSIVE INFANTILE POLIODYSTROPHY; NEURONAL DEGENERATION OF CHILDHOOD WITH LIVER DISEASE, PROGRESSIVE; Alpers Syndrome; ALPERS DIFFUSE DEGENERATION OF CEREBRAL GRAY MATTER WITH HEPATIC CIRRHOSIS; Alpers-Huttenlocher Syndrome; Mitochondrial DNA Depletion Syndrome 4A. Identifiers: Orphanet 726, MedGen C0205710, MONDO:0008758, OMIM 203700.

Submission:

Labcorp Genetics (formerly Invitae), Labcorp
Classification: Likely pathogenic for Progressive sclerosing poliodystrophy. Last evaluated: 2023-01-16. Review status: criteria provided, single submitter. Criteria: Invitae Variant Classification Sherloc (09022015). Collection method: clinical testing. Allele origin: germline.
Comment: This sequence change replaces histidine, which is basic and polar, with glutamine, which is neutral and polar, at codon 1134 of the POLG protein (p.His1134Gln). This variant is not present in population databases (gnomAD no frequency). In summary, the currently available evidence indicates that the variant is pathogenic, but additional data are needed to prove that conclusively. Therefore, this variant has been classified as Likely Pathogenic. This variant disrupts the p.His1134 amino acid residue in POLG. Other variant(s) that disrupt this residue have been determined to be pathogenic (PMID: 33579567). This suggests that this residue is clinically significant, and that variants that disrupt this residue are likely to be disease-causing. Advanced modeling of protein sequence and biophysical properties (such as structural, functional, and spatial information, amino acid conservation, physicochemical variation, residue mobility, and thermodynamic stability) performed at Invitae indicates that this missense variant is expected to disrupt POLG protein function. This variant has not been reported in the literature in individuals affected with POLG-related conditions.

Literature cited by the submitters: PubMed 33579567.